The following is an entry in ClinVar:

ClinVar aggregate classification (germline): Uncertain significance. Review status: criteria provided, multiple submitters, no conflicts (2 of 4 stars). 6 submissions from 6 submitters: Uncertain significance (6). Last evaluated 2026-02-10.

Conditions:
Wolfram syndrome 1 (WFS1). Identifiers: Orphanet 3463, MedGen C4551693, MONDO:0009101, OMIM 222300.
WFS1-related disorder. Identifiers: MedGen CN379391, MONDO:0700293.
Cataract 41 (CTRCT41). Also called: CATARACT 41, CONGENITAL NUCLEAR TYPE. Identifiers: Orphanet 91492, Orphanet 98991, Orphanet 98992, Orphanet 98995, MedGen C3805412, MONDO:0007287, OMIM 116400.
Type 2 diabetes mellitus. Also called: Type II diabetes mellitus. Identifiers: MedGen C0011860, MeSH D003924, MONDO:0005148, OMIM 125853, HP:0005978.
Autosomal dominant nonsyndromic hearing loss 6 (LFSNHL). Also called: DEAFNESS, AUTOSOMAL DOMINANT 6; DEAFNESS, AUTOSOMAL DOMINANT 14; DEAFNESS, AUTOSOMAL DOMINANT 38; Autosomal dominant nonsyndromic deafness 6. Identifiers: Orphanet 90635, MedGen C1833021, MONDO:0010963, OMIM 600965.
Wolfram-like syndrome. Also called: HEARING LOSS, PROGRESSIVE, WITH OPTIC ATROPHY AND/OR IMPAIRED GLUCOSE REGULATION. Identifiers: Orphanet 411590, MedGen C3280358, MONDO:0013673, OMIM 614296.

Allele frequency attached by ClinVar (database versions not stated): ExAC 0.00001; gnomAD exomes 0.00002; TOPMed 0.00005; gnomAD 0.00007 and 0.00009; 1000 Genomes Project 30x 0.00031; 1000 Genomes Project 0.00040.
gnomAD v4.1: 24 of 1,612,830 alleles (0.0015%); highest among the groups gnomAD compares: Admixed American, 0.028%; no homozygotes.

Submissions (6):

Women's Health and Genetics/Laboratory Corporation of America, LabCorp
Classification: Uncertain significance. Last evaluated: 2026-02-10. Review status: criteria provided, single submitter. Criteria: LabCorp Variant Classification Summary - May 2015. Collection method: clinical testing. Allele origin: germline.
Comment: Variant summary: WFS1 c.2248G>A (p.Ala750Thr) results in a non-conservative amino acid change in the encoded protein sequence. Algorithms developed to predict the effect of missense changes on protein structure and function are either unavailable or do not agree on the potential impact of this missense change. The variant allele was found at a frequency of 1.6e-05 in 245556 control chromosomes. The available data on variant occurrences in the general population are insufficient to allow any conclusion about variant significance. To our knowledge, no occurrence of c.2248G>A in individuals affected with WFS1-related conditions and no experimental evidence demonstrating its impact on protein function have been reported. ClinVar contains an entry for this variant (Variation ID: 1008197). Based on the evidence outlined above, the variant was classified as uncertain significance.

GeneDx
Classification: Uncertain significance. Last evaluated: 2026-01-13. Review status: criteria provided, single submitter. Criteria: GeneDx Variant Classification Process June 2021. Collection method: clinical testing. Allele origin: germline. Affected: yes.
Comment: Has not been previously published as pathogenic or benign to our knowledge; In silico analysis suggests that this missense variant does not alter protein structure/function

Labcorp Genetics (formerly Invitae), Labcorp
Classification: Uncertain significance. Last evaluated: 2025-12-15. Review status: criteria provided, single submitter. Criteria: Invitae Variant Classification Sherloc (09022015). Collection method: clinical testing. Allele origin: germline.
Comment: This sequence change replaces alanine, which is neutral and non-polar, with threonine, which is neutral and polar, at codon 750 of the WFS1 protein (p.Ala750Thr). This variant is present in population databases (rs201335980, gnomAD 0.007%). This variant has not been reported in the literature in individuals affected with WFS1-related conditions. ClinVar contains an entry for this variant (Variation ID: 1008197). Invitae Evidence Modeling of protein sequence and biophysical properties (such as structural, functional, and spatial information, amino acid conservation, physicochemical variation, residue mobility, and thermodynamic stability) indicates that this missense variant is not expected to disrupt WFS1 protein function with a negative predictive value of 95%. In summary, the available evidence is currently insufficient to determine the role of this variant in disease. Therefore, it has been classified as a Variant of Uncertain Significance.

PreventionGenetics, part of Exact Sciences
Classification: Uncertain significance for WFS1-related condition. Last evaluated: 2025-05-29. Review status: criteria provided, single submitter. Criteria: ACMG Guidelines, 2015. Collection method: clinical testing. Allele origin: germline.
Comment: The WFS1 c.2248G>A variant is predicted to result in the amino acid substitution p.Ala750Thr. To our knowledge, this variant has not been reported in the literature. This variant is reported in 0.0065% of alleles in individuals of African descent in gnomAD. At this time, the clinical significance of this variant is uncertain due to the absence of conclusive functional and genetic evidence.

Fulgent Genetics
Classification: Uncertain significance for Cataract 41; Type 2 diabetes mellitus; Wolfram syndrome 1; Autosomal dominant nonsyndromic hearing loss 6; Wolfram-like syndrome. Last evaluated: 2024-05-20. Review status: criteria provided, single submitter. Criteria: ACMG Guidelines, 2015. Collection method: clinical testing. Allele origin: germline.

Clinical Genomics, Uppaluri K&H Personalized Medicine Clinic
Classification: Uncertain significance for Wolfram syndrome 1. Review status: criteria provided, single submitter. Criteria: K & H Uppaluri Personalized Medicine Clinic Variant Classification & Assertion Criteria_Updated V.1. Collection method: research. Allele origin: unknown. Inheritance: Autosomal recessive inheritance.
Comment: Potent mutations in WFS1 gene are associated with Wolfram's syndrome, an autosomal recessive condition, which cause diabetes mellitus, diabetes insipidus, deafness and optic atrophy. However no sufficient evidence is found to ascertain the role of this particular variant rs201335980 in Wolfram's syndrome yet.

Literature cited by the submitters: PubMed 20738327 (cited by Clinical Genomics, Uppaluri K&H Personalized Medicine Clinic); PubMed 33879153 (cited by Clinical Genomics, Uppaluri K&H Personalized Medicine Clinic); PubMed 12955714 (cited by Clinical Genomics, Uppaluri K&H Personalized Medicine Clinic); PubMed 18060660 (cited by Clinical Genomics, Uppaluri K&H Personalized Medicine Clinic); PubMed 20301750 (cited by Clinical Genomics, Uppaluri K&H Personalized Medicine Clinic); PubMed 17603484 (cited by Clinical Genomics, Uppaluri K&H Personalized Medicine Clinic).

NM_006005.3(WFS1):c.2248G>A (p.Ala750Thr)

Gene: WFS1 (wolframin ER transmembrane glycoprotein; plus strand). Cytogenetic location: 4p16.1.
Variant type: single nucleotide variant.
Coding change: c.2248G>A on transcript NM_006005.3 (MANE Select); coding-DNA position 2248, G replaced by A.
Protein change: p.Ala750Thr; replaces alanine 750 with threonine.
Molecular consequence: missense variant.
Genome position (GRCh38, 1-based): chr4:6,302,043, G>A. VCF-style: chr4-6302043-G-A. GRCh37 (hg19) VCF-style: chr4-6303770-G-A.
Other names: c.2248G>A, p.Ala750Thr (NM_001145853.1); short protein forms A750T.
Identifiers: ClinVar variation 1008197 (VCV001008197.20), dbSNP rs201335980, ClinGen allele CA2839660.
Genomic context (GRCh38, chr4:6,302,043, plus strand): 5'-TGGATGCGCTGCCTCTACGGCGAGGCCTACCCTGCCTGCAGCCCTGGCAACACCTCCACG[G>A]CCGAGGAGGAGCTCTGTCGCCTTAAGCTGCTGGCCAAGCACCCCTGCCACATCAAGAAGT-3'
Protein context (NP_005996.2, residues 740-760): PACSPGNTST[Ala750Thr]EEELCRLKLL